The following is an entry in ClinVar:

NC_012920.1(MT-TN):m.5661A>G

Gene: MT-TN (mitochondrially encoded tRNA asparagine; minus strand).
Variant type: single nucleotide variant.
Genome position: chrM-5661-A-G.
Identifiers: ClinVar variation 689967 (VCV000689967.1), dbSNP rs1603220076, ClinGen allele CA913180158.

ClinVar aggregate classification (germline): Uncertain significance (1 of 4 stars; one submission).

Conditions:
MELAS syndrome (MELAS). Also called: Juvenile myopathy, encephalopathy, lactic acidosis, stroke. Identifiers: Orphanet 550, MedGen C0162671, MONDO:0010789, OMIM 540000.

Submission:

Wong Mito Lab, Molecular and Human Genetics, Baylor College of Medicine
Classification: Uncertain significance for MELAS syndrome. Last evaluated: 2019-07-12. Review status: criteria provided, single submitter. Criteria: Modified ACMG Guidelines (Unpublished). Collection method: clinical testing. Allele origin: germline.
Comment: The NC_012920.1:m.5661A>G variant in MT-TN gene is interpreted to be a Unknown Significance variant based on the modified ACMG guidelines (unpublished). This variant meets the following evidence codes reported in the guidelines: PP3, PP7

Literature cited by the submitters: PubMed 31965079.